The following is an entry in ClinVar:

ClinVar aggregate classification (germline): Uncertain significance. Review status: criteria provided, multiple submitters, no conflicts (2 of 4 stars). 2 submissions from 2 submitters: Uncertain significance (2). Last evaluated 2025-10-16.

gnomAD v4.1: 5 of 1,612,750 alleles (0.00031%); highest among the groups gnomAD compares: South Asian, 0.0044%; no homozygotes.

Submissions (2):

Quest Diagnostics Nichols Institute San Juan Capistrano
Classification: Uncertain significance. Last evaluated: 2025-10-16. Review status: criteria provided, single submitter. Criteria: Quest Diagnostics criteria. Collection method: clinical testing. Allele origin: unknown.

Ambry Genetics
Classification: Uncertain significance. Last evaluated: 2024-08-24. Review status: criteria provided, single submitter. Criteria: Ambry Variant Classification Scheme 2023. Collection method: clinical testing. Allele origin: germline.
Comment: The p.D379G variant (also known as c.1136A>G), located in coding exon 9 of the RECQL gene, results from an A to G substitution at nucleotide position 1136. The aspartic acid at codon 379 is replaced by glycine, an amino acid with similar properties. This amino acid position is conserved. In addition, this alteration is predicted to be deleterious by in silico analysis. Based on the available evidence, the clinical significance of this variant remains unclear.

NM_002907.4(RECQL):c.1136A>G (p.Asp379Gly)

Gene: RECQL (RecQ like helicase; minus strand). Cytogenetic location: 12p12.1.
Variant type: single nucleotide variant.
Coding change: c.1136A>G on transcript NM_002907.4 (MANE Select); coding-DNA position 1136, A replaced by G.
Protein change: p.Asp379Gly; replaces aspartic acid 379 with glycine.
Molecular consequence: missense variant.
Genome position (GRCh38, 1-based): chr12:21,475,548, T>C on the plus strand (A>G on the coding strand, the complement: RECQL is on the minus strand). VCF-style: chr12-21475548-T-C. GRCh37 (hg19) VCF-style: chr12-21628482-T-C.
Other names: c.1136A>G, p.Asp379Gly (NM_032941.3); short protein forms D379G.
Identifiers: ClinVar variation 3431792 (VCV003431792.2).